The following is an entry in ClinVar:

NM_001408.3(CELSR2):c.2965C>T (p.Arg989Trp)

Genes: CELSR2 (cadherin EGF LAG seven-pass G-type receptor 2; plus strand), LOC110121283 (VISTA enhancer hs2216; plus strand). Cytogenetic location: 1p13.3.
Variant type: single nucleotide variant.
Coding change: c.2965C>T on transcript NM_001408.3 (MANE Select); coding-DNA position 2965, C replaced by T.
Protein change: p.Arg989Trp; replaces arginine 989 with tryptophan.
Molecular consequence: missense variant.
Genome position (GRCh38, 1-based): chr1:109,253,044, C>T. VCF-style: chr1-109253044-C-T. GRCh37 (hg19) VCF-style: chr1-109795666-C-T.
Other names: short protein forms R989W.
Identifiers: ClinVar variation 3609786 (VCV003609786.2).

ClinVar aggregate classification (germline): Uncertain significance (1 of 4 stars; one submission).

gnomAD v4.1: 45 of 1,613,656 alleles (0.0028%); highest among the groups gnomAD compares: Non-Finnish European, 0.0035%; no homozygotes.

Submission:

Labcorp Genetics (formerly Invitae), Labcorp
Classification: Uncertain significance. Last evaluated: 2025-10-01. Review status: criteria provided, single submitter. Criteria: Invitae Variant Classification Sherloc (09022015). Collection method: clinical testing. Allele origin: germline.
Comment: This sequence change replaces arginine, which is basic and polar, with tryptophan, which is neutral and slightly polar, at codon 989 of the CELSR2 protein (p.Arg989Trp). This variant is present in population databases (rs531729807, gnomAD 0.003%). This variant has not been reported in the literature in individuals affected with CELSR2-related conditions. ClinVar contains an entry for this variant (Variation ID: 3609786). Invitae Evidence Modeling of protein sequence and biophysical properties (such as structural, functional, and spatial information, amino acid conservation, physicochemical variation, residue mobility, and thermodynamic stability) indicates that this missense variant is expected to disrupt CELSR2 protein function with a positive predictive value of 80%. In summary, the available evidence is currently insufficient to determine the role of this variant in disease. Therefore, it has been classified as a Variant of Uncertain Significance.